The following is an entry in ClinVar:

ClinVar aggregate classification (germline): Pathogenic. Review status: criteria provided, multiple submitters, no conflicts (2 of 4 stars). 7 submissions from 7 submitters: Pathogenic (5). 2 of the submissions do not count toward it. Last evaluated 2025-07-07.

Conditions:
Hereditary fructosuria. Also called: ALDOB DEFICIENCY; ALDOLASE B DEFICIENCY; FRUCTOSE-1,6-BISPHOSPHATE ALDOLASE B DEFICIENCY; FRUCTOSE-1-PHOSPHATE ALDOLASE DEFICIENCY; FRUCTOSEMIA; Fructose intolerance. Identifiers: Orphanet 469, MedGen C0016751, MONDO:0009249, OMIM 229600, HP:0005973. Disease mechanism: loss of function.

Allele frequency attached by ClinVar (database versions not stated): gnomAD 0.00001; TOPMed 0.00001; ESP Exome Variant Server 0.00008.
gnomAD v4.1: 4 of 1,610,140 alleles (0.00025%); highest among the groups gnomAD compares: Non-Finnish European, 0.00034%; no homozygotes.

Submissions (7):

Natera, Inc.
Classification: Pathogenic for Fructose intolerance. Last evaluated: 2025-07-07. Review status: criteria provided, single submitter. Criteria: Natera Variant Classification Schema (03/2026). Collection method: clinical testing. Allele origin: germline.
Comment: The c.612T>A variant in ALDOB is a nonsense variant predicted to introduce a stop codon at amino acid 204. This variant is expected to result in nonsense mediated decay, truncation, or a dysfunctional protein product. This variant is rare in the general population with a frequency below the threshold expected for the associated phenotype(s). This variant has been observed in one or more individuals affected with the associated recessive disease, as either homozygous or compound heterozygous with a second variant (PMID: 16630753, 15532022, 8880583). Given the available evidence, this variant is classified as Pathogenic.

Baylor Genetics
Classification: Pathogenic for Hereditary fructosuria. Last evaluated: 2024-03-12. Review status: criteria provided, single submitter. Criteria: ACMG Guidelines, 2015. Collection method: clinical testing. Allele origin: unknown.

Labcorp Genetics (formerly Invitae), Labcorp
Classification: Pathogenic for Hereditary fructosuria. Last evaluated: 2023-01-13. Review status: criteria provided, single submitter. Criteria: Invitae Variant Classification Sherloc (09022015). Collection method: clinical testing. Allele origin: germline.
Comment: This sequence change creates a premature translational stop signal (p.Tyr204*) in the ALDOB gene. It is expected to result in an absent or disrupted protein product. Loss-of-function variants in ALDOB are known to be pathogenic (PMID: 18541450). For these reasons, this variant has been classified as Pathogenic. Algorithms developed to predict the effect of sequence changes on RNA splicing suggest that this variant may create or strengthen a splice site. ClinVar contains an entry for this variant (Variation ID: 188782). This variant is also known as Y203X. This premature translational stop signal has been observed in individual(s) with hereditary fructose intolerance (PMID: 8438046). It has also been observed to segregate with disease in related individuals. This variant is not present in population databases (gnomAD no frequency).

Women's Health and Genetics/Laboratory Corporation of America, LabCorp
Classification: Pathogenic for Hereditary fructosuria. Last evaluated: 2019-09-09. Review status: criteria provided, single submitter. Criteria: LabCorp Variant Classification Summary - May 2015. Collection method: clinical testing. Allele origin: germline.
Comment: Variant summary: ALDOB c.612T>A (p.Tyr204X) results in a premature termination codon, predicted to cause a truncation of the encoded protein or absence of the protein due to nonsense mediated decay, which are commonly known mechanisms for disease. The variant was absent in 251356 control chromosomes (gnomAD). c.612T>A has been reported in the literature in multiple individuals affected with Hereditary Fructose Intolerance (e.g. Ali_1993, Esposito_2010). These data indicate that the variant is very likely to be associated with disease. No clinical diagnostic laboratories have submitted clinical-significance assessments for this variant to ClinVar after 2014. Based on the evidence outlined above, the variant was classified as pathogenic.

Eurofins Ntd Llc (ga)
Classification: Pathogenic. Last evaluated: 2014-06-13. Review status: criteria provided, single submitter. Criteria: EGL Classification Definitions 2015. Collection method: clinical testing. Allele origin: germline.

ATS em Genética Clínica, Universidade Federal do Rio Grande do Sul
Classification: Likely pathogenic for Hereditary fructosuria. Last evaluated: 2021-03-18. Review status: no assertion criteria provided. Collection method: literature only. Allele origin: unknown. Affected: yes. Not counted in ClinVar's aggregate classification.

Counsyl
Classification: Likely pathogenic for Hereditary fructosuria. Last evaluated: 2014-05-12. Review status: no assertion criteria provided. Collection method: literature only. Allele origin: unknown. Inheritance: Autosomal recessive inheritance. Not counted in ClinVar's aggregate classification.

Literature cited by the submitters: PubMed 16630753 (cited by Natera, Inc. and Counsyl); PubMed 15532022 (cited by Natera, Inc.); PubMed 8880583 (cited by Natera, Inc.); PubMed 18541450 (cited by Labcorp Genetics (formerly Invitae), Labcorp); PubMed 8438046 (cited by 4 submitters); PubMed 20848650 (cited by Women's Health and Genetics/Laboratory Corporation of America, LabCorp and Counsyl); PubMed 23114028 (cited by Counsyl); PubMed 16406649 (cited by Counsyl); PubMed 15880727 (cited by Counsyl).

NM_000035.4(ALDOB):c.612T>A (p.Tyr204Ter)

Gene: ALDOB (aldolase, fructose-bisphosphate B; minus strand). Cytogenetic location: 9q31.1.
Variant type: single nucleotide variant.
Coding change: c.612T>A on transcript NM_000035.4 (MANE Select); coding-DNA position 612, T replaced by A.
Protein change: p.Tyr204Ter; replaces tyrosine 204 with a stop codon.
Molecular consequence: nonsense.
Genome position (GRCh38, 1-based): chr9:101,426,567, A>T on the plus strand (T>A on the coding strand, the complement: ALDOB is on the minus strand). VCF-style: chr9-101426567-A-T. GRCh37 (hg19) VCF-style: chr9-104188849-A-T.
Other names: c.612T>A, p.Tyr204Ter (LRG_1244t1); short protein forms Y204*.
Identifiers: ClinVar variation 188782 (VCV000188782.22), dbSNP rs370793608, ClinGen allele CA199058.